The following is an entry in ClinVar:

NM_023110.3(FGFR1):c.1589C>G (p.Ser530Ter)

Gene: FGFR1 (fibroblast growth factor receptor 1; minus strand). Cytogenetic location: 8p11.23.
Variant type: single nucleotide variant.
Coding change: c.1589C>G on transcript NM_023110.3 (MANE Select); coding-DNA position 1589, C replaced by G.
Protein change: p.Ser530Ter; replaces serine 530 with a stop codon.
Molecular consequence: nonsense.
Genome position (GRCh38, 1-based): chr8:38,417,380, G>C on the plus strand (C>G on the coding strand, the complement: FGFR1 is on the minus strand). VCF-style: chr8-38417380-G-C. GRCh37 (hg19) VCF-style: chr8-38274898-G-C.
Other names: c.1589C>G, p.Ser530Ter (NM_000604.2); c.1583C>G, p.Ser528Ter (NM_001174063.2, NM_001174065.2, NM_001354367.2 and 1 more transcripts); c.1559C>G, p.Ser520Ter (NM_001174064.2); c.1322C>G, p.Ser441Ter (NM_001174066.2, NM_023105.3); c.1682C>G, p.Ser561Ter (NM_001174067.2); c.1310C>G, p.Ser437Ter (NM_001354368.2); c.1577C>G, p.Ser526Ter (NM_001354369.2, NM_001410922.1); c.1316C>G, p.Ser439Ter (NM_001354370.2, NM_023106.3); short protein forms S437*, S439*, S441*, S520*, S526*, S528*, S530*, S561*.
Identifiers: ClinVar variation 2505392 (VCV002505392.2), dbSNP rs1554551706, ClinGen allele CA370732312.

ClinVar aggregate classification (germline): Pathogenic. Review status: criteria provided, multiple submitters, no conflicts (2 of 4 stars). 2 submissions from 2 submitters: Pathogenic (2). Last evaluated 2025-09-05.

Conditions:
Hypogonadotropic hypogonadism 2 with or without anosmia (HH2). Also called: FGFR1-Related GnRH Deficiency (Kallmann Syndrome 2); HYPOGONADOTROPIC HYPOGONADISM 2 WITHOUT ANOSMIA; HYPOGONADOTROPIC HYPOGONADISM 2 WITH OR WITHOUT ANOSMIA, SUSCEPTIBILITY TO; HYPOGONADOTROPIC HYPOGONADISM 2 WITHOUT ANOSMIA, SUSCEPTIBILITY TO. Identifiers: Orphanet 478, MedGen C1563720, MONDO:0007844, OMIM 147950. Disease mechanism: loss of function.
Pfeiffer syndrome (ACS5). Also called: ACS V. Identifiers: Orphanet 710, MedGen C0220658, MONDO:0007043, OMIM 101600.

Submissions (2):

Labcorp Genetics (formerly Invitae), Labcorp
Classification: Pathogenic for Pfeiffer syndrome; Hypogonadotropic hypogonadism 2 with or without anosmia. Last evaluated: 2025-09-05. Review status: criteria provided, single submitter. Criteria: Invitae Variant Classification Sherloc (09022015). Collection method: clinical testing. Allele origin: germline.
Comment: This sequence change creates a premature translational stop signal (p.Ser530*) in the FGFR1 gene. It is expected to result in an absent or disrupted protein product. Loss-of-function variants in FGFR1 are known to be pathogenic (PMID: 12627230). This variant is not present in population databases (gnomAD no frequency). This premature translational stop signal has been observed in individual(s) with FGFR1-related conditions (PMID: 37805574). ClinVar contains an entry for this variant (Variation ID: 2505392). For these reasons, this variant has been classified as Pathogenic.

Reproductive Endocrine Unit, Massachusetts General Hospital
Classification: Pathogenic for Hypogonadotropic hypogonadism 2 with or without anosmia. Last evaluated: 2023-05-04. Review status: criteria provided, single submitter. Criteria: ACMG Guidelines, 2015. Collection method: research. Allele origin: unknown. Affected: yes. Observed: 1 variant allele.
Comment: The variant NM_023110.2:c.1589C>G, p.(Ser530*) het has been classified as P1c based on the variant meeting the following ACMG Criteria: PVS1,PM2,PP3.

Literature cited by the submitters: PubMed 12627230 (cited by Labcorp Genetics (formerly Invitae), Labcorp); PubMed 37805574 (cited by Labcorp Genetics (formerly Invitae), Labcorp).